The following is an entry in ClinVar:

ClinVar aggregate classification (germline): Likely pathogenic (1 of 4 stars; one submission).

Conditions:
Lynch syndrome 5 (LYNCH5). Also called: Colorectal cancer, hereditary nonpolyposis, type 5; Hereditary non-polyposis colorectal cancer, type 5. Identifiers: Orphanet 144, MedGen C1833477, MONDO:0013710, OMIM 614350. Disease mechanism: loss of function.

Submission:

Myriad Genetics, Inc.
Classification: Likely pathogenic for Lynch syndrome 5. Last evaluated: 2023-08-10. Review status: criteria provided, single submitter. Criteria: Myriad Autosomal Dominant, Autosomal Recessive and X-Linked Classification Criteria (2023). Collection method: clinical testing. Allele origin: unknown.
Comment: This variant is considered likely pathogenic. This variant occurs within a consensus splice junction and is predicted to result in abnormal mRNA splicing of either an out-of-frame exon or an in-frame exon necessary for protein stability and/or normal function.

NM_000179.3(MSH6):c.458-2A>C

Gene: MSH6 (mutS homolog 6; plus strand). Cytogenetic location: 2p16.3.
Variant type: single nucleotide variant.
Coding change: c.458-2A>C on transcript NM_000179.3 (MANE Select); the canonical splice acceptor site of the intron before coding-DNA position 458, A replaced by C.
Molecular consequence: splice acceptor variant. On other transcripts: 5 prime UTR variant (1), intron variant (8).
Genome position (GRCh38, 1-based): chr2:47,795,892, A>C. VCF-style: chr2-47795892-A-C. GRCh37 (hg19) VCF-style: chr2-48023031-A-C.
Other names: c.-70A>C (NM_001406807.1); c.458-2A>C (NM_001406809.1, NM_001406796.1, NM_001406808.1 and 5 more transcripts); c.-279-2719A>C (NM_001406811.1, NM_001281493.2, NM_001406812.1 and 4 more transcripts); c.161-2A>C (NM_001406805.1, NM_001406797.1, NM_001406801.1 and 10 more transcripts); c.554-2A>C (NM_001406795.1, NM_001406802.1); c.464-2A>C (NM_001406813.1); c.-537-2A>C (NM_001406814.1); c.-68-2A>C (NM_001406799.1, NM_001406806.1); and 4 more.
Identifiers: ClinVar variation 2673583 (VCV002673583.1), dbSNP rs2104227716, ClinGen allele CA346738550.